The following is an entry in ClinVar:

NM_177550.5(SLC13A5):c.1403C>A (p.Thr468Asn)

Gene: SLC13A5 (solute carrier family 13 member 5; minus strand). Cytogenetic location: 17p13.1.
Variant type: single nucleotide variant.
Coding change: c.1403C>A on transcript NM_177550.5 (MANE Select); coding-DNA position 1403, C replaced by A.
Protein change: p.Thr468Asn; replaces threonine 468 with asparagine.
Molecular consequence: missense variant.
Genome position (GRCh38, 1-based): chr17:6,690,813, G>T on the plus strand (C>A on the coding strand, the complement: SLC13A5 is on the minus strand). VCF-style: chr17-6690813-G-T. GRCh37 (hg19) VCF-style: chr17-6594132-G-T.
Other names: c.1403C>A, p.Thr468Asn (NM_001143838.3); c.1352C>A, p.Thr451Asn (NM_001284509.2); c.1274C>A, p.Thr425Asn (NM_001284510.2); short protein forms T468N, T425N, T451N.
Identifiers: ClinVar variation 2908345 (VCV002908345.1), dbSNP rs765658539, ClinGen allele CA8331399.

ClinVar aggregate classification (germline): Uncertain significance (1 of 4 stars; one submission).

Conditions:
Developmental and epileptic encephalopathy, 25 (DEE25). Also called: Epileptic encephalopathy, early infantile, 25; Developmental and epileptic encephalopathy 25, with amelogenesis imperfecta; Epileptic encephalopathy, early infantile, 25, with amelogenesis imperfecta. Identifiers: Orphanet 442835, MedGen C4014621, MONDO:0014392, OMIM 615905.

Allele frequency attached by ClinVar (database versions not stated): gnomAD exomes below 0.00001; TOPMed below 0.00001; ExAC 0.00001; gnomAD 0.00001.
gnomAD v4.1: 4 of 1,614,096 alleles (0.00025%); highest among the groups gnomAD compares: Non-Finnish European, 0.00034%; no homozygotes.

Submission:

Labcorp Genetics (formerly Invitae), Labcorp
Classification: Uncertain significance for Developmental and epileptic encephalopathy, 25. Last evaluated: 2024-01-25. Review status: criteria provided, single submitter. Criteria: Invitae Variant Classification Sherloc (09022015). Collection method: clinical testing. Allele origin: germline.
Comment: This sequence change replaces threonine, which is neutral and polar, with asparagine, which is neutral and polar, at codon 468 of the SLC13A5 protein (p.Thr468Asn). This variant is present in population databases (rs765658539, gnomAD 0.002%). This variant has not been reported in the literature in individuals affected with SLC13A5-related conditions. Advanced modeling of protein sequence and biophysical properties (such as structural, functional, and spatial information, amino acid conservation, physicochemical variation, residue mobility, and thermodynamic stability) performed at Invitae indicates that this missense variant is expected to disrupt SLC13A5 protein function with a positive predictive value of 80%. In summary, the available evidence is currently insufficient to determine the role of this variant in disease. Therefore, it has been classified as a Variant of Uncertain Significance.